The following is an entry in ClinVar:

ClinVar aggregate classification (germline): Uncertain significance. Review status: criteria provided, multiple submitters, no conflicts (2 of 4 stars). 2 submissions from 2 submitters: Uncertain significance (2). Last evaluated 2025-11-20.

Conditions:
Inborn genetic diseases. Identifiers: MedGen C0950123, MeSH D030342.

Allele frequency attached by ClinVar (database versions not stated): TOPMed below 0.00001; gnomAD exomes below 0.00001.
gnomAD v4.1: 2 of 1,613,954 alleles (0.00012%); highest among the groups gnomAD compares: Non-Finnish European, 0.000085%; no homozygotes.

Submissions (2):

Ambry Genetics
Classification: Uncertain significance for Inborn genetic diseases. Last evaluated: 2025-11-20. Review status: criteria provided, single submitter. Criteria: Ambry Variant Classification Scheme 2023. Collection method: clinical testing. Allele origin: germline.

GeneDx
Classification: Uncertain significance. Last evaluated: 2022-05-23. Review status: criteria provided, single submitter. Criteria: GeneDx Variant Classification Process June 2021. Collection method: clinical testing. Allele origin: germline. Affected: yes.
Comment: Not observed at significant frequency in large population cohorts (gnomAD); In silico analysis supports that this missense variant does not alter protein structure/function; Has not been previously published as pathogenic or benign to our knowledge

NM_005245.4(FAT1):c.7627A>G (p.Asn2543Asp)

Gene: FAT1 (FAT atypical cadherin 1; minus strand). Cytogenetic location: 4q35.2.
Variant type: single nucleotide variant.
Coding change: c.7627A>G on transcript NM_005245.4 (MANE Select); coding-DNA position 7627, A replaced by G.
Protein change: p.Asn2543Asp; replaces asparagine 2543 with aspartic acid.
Molecular consequence: missense variant.
Genome position (GRCh38, 1-based): chr4:186,618,959, T>C on the plus strand (A>G on the coding strand, the complement: FAT1 is on the minus strand). VCF-style: chr4-186618959-T-C. GRCh37 (hg19) VCF-style: chr4-187540113-T-C.
Other names: short protein forms N2543D.
Identifiers: ClinVar variation 1801074 (VCV001801074.2), dbSNP rs1739874011, ClinGen allele CA358964440.
Genomic context (GRCh38, chr4:186,618,959, plus strand): 5'-CTTTCTCCGCCGGGGTTTCTCGATCAAGTTTTTCCAAAGTAAATATCTGTCCTCTCTCAT[T>C]TATGTAAAATCTGTCTTTGGCAAAGTCATTTACAATATGGTAAGTAACGTGACCATAAAT-3'
Protein context (NP_005236.2, residues 2533-2553): NDFAKDRFYI[Asn2543Asp]ERGQIFTLEK